The following is an entry in ClinVar:

NM_139057.4(ADAMTS17):c.1204G>T (p.Asp402Tyr)

Gene: ADAMTS17 (ADAM metallopeptidase with thrombospondin type 1 motif 17; minus strand). Cytogenetic location: 15q26.3.
Variant type: single nucleotide variant.
Coding change: c.1204G>T on transcript NM_139057.4 (MANE Select); coding-DNA position 1204, G replaced by T.
Protein change: p.Asp402Tyr; replaces aspartic acid 402 with tyrosine.
Molecular consequence: missense variant.
Genome position (GRCh38, 1-based): chr15:100,155,298, C>A on the plus strand (G>T on the coding strand, the complement: ADAMTS17 is on the minus strand). VCF-style: chr15-100155298-C-A. GRCh37 (hg19) VCF-style: chr15-100695503-C-A.
Other names: short protein forms D402Y.
Identifiers: ClinVar variation 1897931 (VCV001897931.2), dbSNP rs151338585, ClinGen allele CA275532410.
Genomic context (GRCh38, chr15:100,155,298, plus strand): 5'-TCCGGCCTTTCACCCACTCTCCTGACATGATGTGGGACCTGCCAGCGCAAGATGAGTGGT[C>A]ATCGTCGTGGTTCATGCCCAAGCTGTCCAAGAAGGAGGAGAGAGGGATGCTTATGCTACA-3'
Protein context (NP_620688.2, residues 392-412): GHNLGMNHDD[Asp402Tyr]HSSCAGRSHI

ClinVar aggregate classification (germline): Uncertain significance (1 of 4 stars; one submission).

Allele frequency attached by ClinVar (database versions not stated): gnomAD 0.00001; gnomAD exomes 0.00001; TOPMed 0.00001; ESP Exome Variant Server 0.00008.
gnomAD v4.1: 22 of 1,613,848 alleles (0.0014%); highest among the groups gnomAD compares: Non-Finnish European, 0.0018%; no homozygotes.

Submission:

Labcorp Genetics (formerly Invitae), Labcorp
Classification: Uncertain significance. Last evaluated: 2022-04-26. Review status: criteria provided, single submitter. Criteria: Invitae Variant Classification Sherloc (09022015). Collection method: clinical testing. Allele origin: germline.
Comment: This sequence change replaces aspartic acid, which is acidic and polar, with tyrosine, which is neutral and polar, at codon 402 of the ADAMTS17 protein (p.Asp402Tyr). This variant is not present in population databases (gnomAD no frequency). This variant has not been reported in the literature in individuals affected with ADAMTS17-related conditions. Algorithms developed to predict the effect of missense changes on protein structure and function are either unavailable or do not agree on the potential impact of this missense change (SIFT: "Not Available"; PolyPhen-2: "Probably Damaging"; Align-GVGD: "Not Available"). In summary, the available evidence is currently insufficient to determine the role of this variant in disease. Therefore, it has been classified as a Variant of Uncertain Significance.